The following is an entry in ClinVar:

NM_144691.4(CAPN12):c.1359C>T (p.Phe453=)

Genes: CAPN12 (calpain 12; minus strand), LOC130064373 (ATAC-STARR-seq lymphoblastoid silent region 10582; plus strand). Cytogenetic location: 19q13.2.
Variant type: single nucleotide variant.
Coding change: c.1359C>T on transcript NM_144691.4 (MANE Select); coding-DNA position 1359, C replaced by T.
Protein change: p.Phe453=; no amino-acid change (phenylalanine 453 retained).
Molecular consequence: synonymous variant.
Genome position (GRCh38, 1-based): chr19:38,737,159, G>A on the plus strand (C>T on the coding strand, the complement: CAPN12 is on the minus strand). VCF-style: chr19-38737159-G-A. GRCh37 (hg19) VCF-style: chr19-39227799-G-A.
Identifiers: ClinVar variation 3043505 (VCV003043505.2), dbSNP rs562501812, ClinGen allele CA9418811.
Genomic context (GRCh38, chr19:38,737,159, plus strand): 5'-GCCCCGCCCCTCCACCCTCCGGGTTCCCTCCAGCCTCAGCTTTGCCCAGGACCTCACCTG[G>A]AACACGTGGAAGCCAACGGTGAGGTAAGTGAGGCCCTTGGCTCTCAGGCGCCGCCGGTTG-3'
Protein context (NP_653292.2, residues 443-463): LTYLTVGFHV[Phe453=]QIPEELLGLW

ClinVar aggregate classification (germline): Likely benign (0 of 4 stars; one submission).

Conditions:
CAPN12-related disorder. Also called: CAPN12-related condition.

Allele frequency attached by ClinVar (database versions not stated): TOPMed 0.00001; gnomAD 0.00005; 1000 Genomes Project 0.00040; ExAC 0.00048; 1000 Genomes Project 30x 0.00078.
gnomAD v4.1: 77 of 1,546,174 alleles (0.005%); highest among the groups gnomAD compares: South Asian, 0.085%; no homozygotes.

Submission:

PreventionGenetics, part of Exact Sciences
Classification: Likely benign for CAPN12-related condition. Last evaluated: 2019-07-02. Review status: no assertion criteria provided. Collection method: clinical testing. Allele origin: germline.
Comment: This variant is classified as likely benign based on ACMG/AMP sequence variant interpretation guidelines (Richards et al. 2015 PMID: 25741868, with internal and published modifications).